The following is an entry in ClinVar:

ClinVar aggregate classification (germline): Likely benign. Review status: criteria provided, multiple submitters, no conflicts (2 of 4 stars). 3 submissions from 3 submitters: Likely benign (3). Last evaluated 2025-10-03.

Conditions:
Autosomal recessive ataxia, Beauce type. Also called: SYNE1-Related Autosomal Recessive Cerebellar Ataxia; ATAXIA, RECESSIVE, OF BEAUCE; Spinocerebellar ataxia, autosomal recessive 8; SYNE1 Deficiency. Identifiers: Orphanet 88644, MedGen C1853116, MONDO:0012549, OMIM 610743.
Emery-Dreifuss muscular dystrophy 4, autosomal dominant (EDMD4). Also called: EMERY-DREIFUSS MUSCULAR DYSTROPHY 4 WITH VARIABLE FEATURES. Identifiers: Orphanet 261, MedGen C2751807, MONDO:0013071, OMIM 612998.

gnomAD v4.1: 8 of 1,614,096 alleles (0.0005%); highest among the groups gnomAD compares: Non-Finnish European, 0.00068%; no homozygotes.

Submissions (3):

Mayo Clinic Laboratories, Mayo Clinic
Classification: Likely benign. Last evaluated: 2025-10-03. Review status: criteria provided, single submitter. Criteria: ACMG Guidelines, 2015. Collection method: clinical testing. Allele origin: germline. Observed: 1 variant allele.
Comment: BP4, BP7

Labcorp Genetics (formerly Invitae), Labcorp
Classification: Likely benign for Emery-Dreifuss muscular dystrophy 4, autosomal dominant; Autosomal recessive ataxia, Beauce type. Last evaluated: 2024-03-17. Review status: criteria provided, single submitter. Criteria: Invitae Variant Classification Sherloc (09022015). Collection method: clinical testing. Allele origin: germline.

CeGaT Center for Human Genetics Tuebingen
Classification: Likely benign. Last evaluated: 2022-05-01. Review status: criteria provided, single submitter. Criteria: CeGaT Center For Human Genetics Tuebingen Variant Classification Criteria Version 2. Collection method: clinical testing. Allele origin: germline. Affected: yes. Observed: 1 variant allele.
Comment: SYNE1: PM2:Supporting, BP4, BP7

NM_182961.4(SYNE1):c.18276C>T (p.Ala6092=)

Gene: SYNE1 (spectrin repeat containing nuclear envelope protein 1; minus strand). Cytogenetic location: 6q25.2.
Variant type: single nucleotide variant.
Coding change: c.18276C>T on transcript NM_182961.4 (MANE Select); coding-DNA position 18276, C replaced by T.
Protein change: p.Ala6092=; no amino-acid change (alanine 6092 retained).
Molecular consequence: synonymous variant.
Genome position (GRCh38, 1-based): chr6:152,281,912, G>A on the plus strand (C>T on the coding strand, the complement: SYNE1 is on the minus strand). VCF-style: chr6-152281912-G-A. GRCh37 (hg19) VCF-style: chr6-152603047-G-A.
Other names: p.Ala6021=; c.18063C>T, p.Ala6021= (NM_033071.5); c.18063C>T (NM_033071.3).
Identifiers: ClinVar variation 1087982 (VCV001087982.33), dbSNP rs2153724828, ClinGen allele CA452749245.